The following is an entry in ClinVar:

NM_001009944.3(PKD1):c.6361C>T (p.Arg2121Cys)

Gene: PKD1 (polycystin 1, transient receptor potential channel interacting; minus strand). Cytogenetic location: 16p13.3.
Variant type: single nucleotide variant.
Coding change: c.6361C>T on transcript NM_001009944.3 (MANE Select); coding-DNA position 6361, C replaced by T.
Protein change: p.Arg2121Cys; replaces arginine 2121 with cysteine.
Molecular consequence: missense variant.
Genome position (GRCh38, 1-based): chr16:2,108,806, G>A on the plus strand (C>T on the coding strand, the complement: PKD1 is on the minus strand). VCF-style: chr16-2108806-G-A. GRCh37 (hg19) VCF-style: chr16-2158807-G-A.
Other names: c.6361C>T, p.Arg2121Cys (NM_000296.4); short protein forms R2121C.
Identifiers: ClinVar variation 2521990 (VCV002521990.5), dbSNP rs544427622, ClinGen allele CA7831627.

ClinVar aggregate classification (germline): Uncertain significance. Review status: criteria provided, multiple submitters, no conflicts (2 of 4 stars). 3 submissions from 3 submitters: Uncertain significance (2). 1 of the submissions does not count toward it. Last evaluated 2023-07-12.

Conditions:
Inborn genetic diseases. Identifiers: MedGen C0950123, MeSH D030342.
PKD1-related disorder. Also called: PKD1-related condition.

Allele frequency attached by ClinVar (database versions not stated): gnomAD 0.00002; ExAC 0.00004; 1000 Genomes Project 30x 0.00016; 1000 Genomes Project 0.00020.
gnomAD v4.1: 24 of 1,568,476 alleles (0.0015%); highest among the groups gnomAD compares: African/African-American, 0.0081%; no homozygotes.

Submissions (3):

Women's Health and Genetics/Laboratory Corporation of America, LabCorp
Classification: Uncertain significance. Last evaluated: 2023-07-12. Review status: criteria provided, single submitter. Criteria: LabCorp Variant Classification Summary - May 2015. Collection method: clinical testing. Allele origin: germline.
Comment: Variant summary: PKD1 c.6361C>T (p.Arg2121Cys) results in a non-conservative amino acid change located in the PKD domain (IPR000601) of the encoded protein sequence. Two of four in-silico tools predict a benign effect of the variant on protein function. The variant allele was found at a frequency of 2.3e-05 in 173950 control chromosomes (gnomAD). The available data on variant occurrences in the general population are insufficient to allow any conclusion about variant significance. To our knowledge, no occurrence of c.6361C>T in individuals affected with Polycystic Kidney Disease 1 and no experimental evidence demonstrating its impact on protein function have been reported. One submitter has cited clinical-significance assessments for this variant to ClinVar after 2014 and has classified the variant as uncertain significance. Based on the evidence outlined above, the variant was classified as uncertain significance.

Ambry Genetics
Classification: Uncertain significance for Inborn genetic diseases. Last evaluated: 2023-05-03. Review status: criteria provided, single submitter. Criteria: Ambry Variant Classification Scheme 2023. Collection method: clinical testing. Allele origin: germline.

PreventionGenetics, part of Exact Sciences
Classification: Uncertain significance for PKD1-related condition. Last evaluated: 2024-02-06. Review status: no assertion criteria provided. Collection method: clinical testing. Allele origin: germline. Not counted in ClinVar's aggregate classification.
Comment: The PKD1 c.6361C>T variant is predicted to result in the amino acid substitution p.Arg2121Cys. To our knowledge, this variant has not been reported in the literature. This variant is reported in 0.016% of alleles in individuals of African descent in gnomAD. At this time, the clinical significance of this variant is uncertain due to the absence of conclusive functional and genetic evidence.